The following is an entry in ClinVar:

ClinVar aggregate classification (germline): Uncertain significance (1 of 4 stars; one submission).

Submission:

Labcorp Genetics (formerly Invitae), Labcorp
Classification: Uncertain significance. Last evaluated: 2024-10-24. Review status: criteria provided, single submitter. Criteria: Invitae Variant Classification Sherloc (09022015). Collection method: clinical testing. Allele origin: germline.
Comment: This sequence change replaces alanine, which is neutral and non-polar, with valine, which is neutral and non-polar, at codon 430 of the COL4A5 protein (p.Ala430Val). This variant is present in population databases (rs142883891, gnomAD 0.02%). This missense change has been observed in individual(s) with COL4A5-related conditions (PMID: 19728970). ClinVar contains an entry for this variant (Variation ID: 1419643). Invitae Evidence Modeling of protein sequence and biophysical properties (such as structural, functional, and spatial information, amino acid conservation, physicochemical variation, residue mobility, and thermodynamic stability) indicates that this missense variant is not expected to disrupt COL4A5 protein function with a negative predictive value of 95%. In summary, the available evidence is currently insufficient to determine the role of this variant in disease. Therefore, it has been classified as a Variant of Uncertain Significance.

Literature cited by the submitters: PubMed 19728970.

NM_033380.3(COL4A5):c.1289C>T (p.Ala430Val)

Gene: COL4A5 (collagen type IV alpha 5 chain; plus strand). Cytogenetic location: Xq22.3.
Variant type: single nucleotide variant.
Coding change: c.1289C>T on transcript NM_033380.3 (MANE Select); coding-DNA position 1289, C replaced by T.
Protein change: p.Ala430Val; replaces alanine 430 with valine.
Molecular consequence: missense variant.
Genome position (GRCh38, 1-based): chrX:108,591,181, C>T. VCF-style: chrX-108591181-C-T. GRCh37 (hg19) VCF-style: chrX-107834411-C-T.
Other names: c.1289C>T, p.Ala430Val (NM_000495.5); short protein forms A430V.
Identifiers: ClinVar variation 1419643 (VCV001419643.7), dbSNP rs142883891, ClinGen allele CA10488705.